The following is an entry in ClinVar:

NM_001089.3(ABCA3):c.325G>A (p.Gly109Ser)

Gene: ABCA3 (ATP binding cassette subfamily A member 3; minus strand). Cytogenetic location: 16p13.3.
Variant type: single nucleotide variant.
Coding change: c.325G>A on transcript NM_001089.3 (MANE Select); coding-DNA position 325, G replaced by A.
Protein change: p.Gly109Ser; replaces glycine 109 with serine.
Molecular consequence: missense variant.
Genome position (GRCh38, 1-based): chr16:2,324,526, C>T on the plus strand (G>A on the coding strand, the complement: ABCA3 is on the minus strand). VCF-style: chr16-2324526-C-T. GRCh37 (hg19) VCF-style: chr16-2374527-C-T.
Other names: short protein forms G109S.
Identifiers: ClinVar variation 3847995 (VCV003847995.2).

ClinVar aggregate classification (germline): Uncertain significance (1 of 4 stars; one submission).

Conditions:
Hereditary pulmonary alveolar proteinosis. Also called: Pulmonary surfactant metabolism dysfunction. Identifiers: Orphanet 264675, MedGen C3711368, MONDO:0012580.

gnomAD v4.1: 47 of 1,609,560 alleles (0.0029%); highest among the groups gnomAD compares: Admixed American, 0.0083%; no homozygotes.

Submission:

Ambry Genetics
Classification: Uncertain significance for Hereditary pulmonary alveolar proteinosis. Last evaluated: 2026-06-03. Review status: criteria provided, single submitter. Criteria: Ambry Variant Classification Scheme 2023. Collection method: clinical testing. Allele origin: germline.
Comment: The c.325G>A (p.G109S) alteration is located in exon 6 (coding exon 3) of the ABCA3 gene. This alteration results from a G to A substitution at nucleotide position 325, causing the glycine (G) at amino acid position 109 to be replaced by a serine (S). Based on data from gnomAD, the A allele has an overall frequency of 0.002% (5/247552) total alleles studied. The highest observed frequency was 0.006% (2/34564) of Latino alleles. Based on insufficient or conflicting evidence, the clinical significance of this alteration remains unclear.